The following is an entry in ClinVar:

ClinVar aggregate classification (germline): Uncertain significance. Review status: criteria provided, multiple submitters, no conflicts (2 of 4 stars). 3 submissions from 3 submitters: Uncertain significance (3). Last evaluated 2026-01-05.

Conditions:
Pyogenic arthritis-pyoderma gangrenosum-acne syndrome (PAPA). Also called: PAPA SYNDROME; FAMILIAL RECURRENT ARTHRITIS. Identifiers: Orphanet 69126, MedGen C1858361, MONDO:0011462, OMIM 604416.

Allele frequency attached by ClinVar (database versions not stated): gnomAD 0.00001 and 0.00003; gnomAD exomes 0.00002; ExAC 0.00003; TOPMed 0.00003.
gnomAD v4.1: 47 of 1,580,962 alleles (0.003%); highest among the groups gnomAD compares: Middle Eastern, 0.017%; no homozygotes.

Submissions (3):

Labcorp Genetics (formerly Invitae), Labcorp
Classification: Uncertain significance for Pyogenic arthritis-pyoderma gangrenosum-acne syndrome. Last evaluated: 2026-01-05. Review status: criteria provided, single submitter. Criteria: Invitae Variant Classification Sherloc (09022015). Collection method: clinical testing. Allele origin: germline.
Comment: This sequence change replaces alanine, which is neutral and non-polar, with valine, which is neutral and non-polar, at codon 49 of the PSTPIP1 protein (p.Ala49Val). The frequency data for this variant in the population databases is considered unreliable, as metrics indicate poor data quality at this position in the gnomAD database. This variant has not been reported in the literature in individuals affected with PSTPIP1-related conditions. ClinVar contains an entry for this variant (Variation ID: 451711). Invitae Evidence Modeling of protein sequence and biophysical properties (such as structural, functional, and spatial information, amino acid conservation, physicochemical variation, residue mobility, and thermodynamic stability) indicates that this missense variant is not expected to disrupt PSTPIP1 protein function with a negative predictive value of 80%. In summary, the available evidence is currently insufficient to determine the role of this variant in disease. Therefore, it has been classified as a Variant of Uncertain Significance.

GeneDx
Classification: Uncertain significance. Last evaluated: 2021-03-23. Review status: criteria provided, single submitter. Criteria: GeneDx Variant Classification Process June 2021. Collection method: clinical testing. Allele origin: germline. Affected: yes.
Comment: Has not been previously published as pathogenic or benign to our knowledge; In silico analysis supports that this missense variant does not alter protein structure/function

ARUP Laboratories, Molecular Genetics and Genomics, ARUP Laboratories
Classification: Uncertain significance for Pyogenic arthritis-pyoderma gangrenosum-acne syndrome. Last evaluated: 2019-09-15. Review status: criteria provided, single submitter. Criteria: ARUP Molecular Germline Variant Investigation Process. Collection method: clinical testing. Allele origin: germline.
Comment: The PSTPIP1 c.146C>T; p.Ala49Val variant (rs756426938), to our knowledge, is not reported in the medical literature but is reported in an individual with an autoinflammatory disease in a gene-specific database (see link below). The variant is reported in the ClinVar database (Variation ID: 451711) and in the general population with an overall allele frequency of 0.0017% (4/230,060 alleles) in the Genome Aggregation Database. The alanine at this position is moderately conserved and computational analyses (SIFT: Tolerated, PolyPhen-2: Possibly Damaging) predict conflicting effects of this variant on protein structure/function. Due to limited information, the clinical significance of this variant cannot be determined. References: Link to Infevers database

NM_003978.5(PSTPIP1):c.146C>T (p.Ala49Val)

Gene: PSTPIP1 (proline-serine-threonine phosphatase interacting protein 1; plus strand). Cytogenetic location: 15q24.3.
Variant type: single nucleotide variant.
Coding change: c.146C>T on transcript NM_003978.5 (MANE Select); coding-DNA position 146, C replaced by T.
Protein change: p.Ala49Val; replaces alanine 49 with valine.
Molecular consequence: missense variant. On other transcripts: non-coding transcript variant (1).
Genome position (GRCh38, 1-based): chr15:77,018,465, C>T. VCF-style: chr15-77018465-C-T. GRCh37 (hg19) VCF-style: chr15-77310806-C-T.
Other names: c.146C>T, p.Ala49Val (NM_001321135.2); c.119C>T, p.Ala40Val (NM_001321136.2); c.341C>T, p.Ala114Val (NM_001321137.1); short protein forms A49V, A40V, A114V.
Identifiers: ClinVar variation 451711 (VCV000451711.18), dbSNP rs756426938, ClinGen allele CA7675722.